The following is an entry in ClinVar:

NM_001005273.3(CHD3):c.2732C>T (p.Thr911Ile)

Gene: CHD3 (chromodomain helicase DNA binding protein 3; plus strand). Cytogenetic location: 17p13.1.
Variant type: single nucleotide variant.
Coding change: c.2732C>T on transcript NM_001005273.3 (MANE Select); coding-DNA position 2732, C replaced by T.
Protein change: p.Thr911Ile; replaces threonine 911 with isoleucine.
Molecular consequence: missense variant.
Genome position (GRCh38, 1-based): chr17:7,900,339, C>T. VCF-style: chr17-7900339-C-T. GRCh37 (hg19) VCF-style: chr17-7803657-C-T.
Other names: c.2732C>T, p.Thr911Ile (NM_005852.4); c.2909C>T, p.Thr970Ile (NM_001005271.3, NM_001437504.1); c.2897C>T, p.Thr966Ile (NM_001437507.1, NM_001437508.1, NM_001437509.1); short protein forms T911I, T966I, T970I.
Identifiers: ClinVar variation 4850798 (VCV004850798.1).

ClinVar aggregate classification (germline): Likely pathogenic (1 of 4 stars; one submission).

Conditions:
Snijders Blok-Campeau syndrome. Also called: INTELLECTUAL DEVELOPMENTAL DISORDER WITH MACROCEPHALY, SPEECH DELAY, AND DYSMORPHIC FACIES. Identifiers: Orphanet 599082, MedGen C4748701, MONDO:0032600, OMIM 618205.

Submission:

Variantyx, Inc.
Classification: Likely pathogenic for Snijders Blok-Campeau syndrome. Last evaluated: 2025-09-18. Review status: criteria provided, single submitter. Criteria: Variantyx Assertion Criteria 2022. Collection method: clinical testing. Allele origin: de novo. Inheritance: Autosomal dominant inheritance. Affected: yes.
Comment: This is a nonsynonymous variant in the CHD3 gene (OMIM: 602120). Pathogenic variants in this gene have been associated with autosomal dominant Snijders Blok-Campeau syndrome. This variant likely occurred de novo in the current proband and individuals reported in the published literature; however, the possibility of parental germline mosaicism cannot be excluded (PMID: 33057194, 35982159) (PS2_Supporting). The alteration lies within a known hotspot for pathogenic variants or a well-established critical functional domain of the CHD3 protein (PMID: 30397230) (PM1). Multiple computational algorithms predict a deleterious effect for this variant (REVEL score: 0.981) (PP3). This variant is absent from control populations (PM2). Based on the current evidence, this variant is classified as likely pathogenic for autosomal dominant Snijders Blok-Campeau syndrome.

Literature cited by the submitters: PubMed 30397230; PubMed 33057194; PubMed 35982159.